The following is an entry in ClinVar:

ClinVar aggregate classification (germline): Uncertain significance. Review status: criteria provided, multiple submitters, no conflicts (2 of 4 stars). 2 submissions from 2 submitters: Uncertain significance (2). Last evaluated 2024-01-08.

Conditions:
Progressive myoclonic epilepsy. Also called: Familial progressive myoclonic epilepsy; Progressive myoclonus epilepsy; Myoclonus epilepsy; Myoclonic Epilepsies, Progressive. Identifiers: Orphanet 308, Orphanet 98261, MedGen C0751778, MONDO:0020074.
Inborn genetic diseases. Identifiers: MedGen C0950123, MeSH D030342.

Allele frequency attached by ClinVar (database versions not stated): gnomAD exomes below 0.00001; gnomAD 0.00002; TOPMed 0.00006.
gnomAD v4.1: 8 of 1,613,836 alleles (0.0005%); highest among the groups gnomAD compares: Admixed American, 0.01%; no homozygotes.

Submissions (2):

Ambry Genetics
Classification: Uncertain significance for Inborn genetic diseases. Last evaluated: 2024-01-08. Review status: criteria provided, single submitter. Criteria: Ambry Variant Classification Scheme 2023. Collection method: clinical testing. Allele origin: germline.

Labcorp Genetics (formerly Invitae), Labcorp
Classification: Uncertain significance for Progressive myoclonic epilepsy. Last evaluated: 2021-04-30. Review status: criteria provided, single submitter. Criteria: Invitae Variant Classification Sherloc (09022015). Collection method: clinical testing. Allele origin: germline.
Comment: This sequence change replaces valine with methionine at codon 118 of the EPM2A protein (p.Val118Met). The valine residue is highly conserved and there is a small physicochemical difference between valine and methionine. This variant is not present in population databases (ExAC no frequency). In summary, the available evidence is currently insufficient to determine the role of this variant in disease. Therefore, it has been classified as a Variant of Uncertain Significance. Algorithms developed to predict the effect of missense changes on protein structure and function are either unavailable or do not agree on the potential impact of this missense change (SIFT: "Deleterious"; PolyPhen-2: "Probably Damaging"; Align-GVGD: "Class C0"). This variant has not been reported in the literature in individuals with EPM2A-related conditions.

NM_005670.4(EPM2A):c.352G>A (p.Val118Met)

Gene: EPM2A (EPM2A glucan phosphatase, laforin; minus strand). Cytogenetic location: 6q24.3.
Variant type: single nucleotide variant.
Coding change: c.352G>A on transcript NM_005670.4 (MANE Select); coding-DNA position 352, G replaced by A.
Protein change: p.Val118Met; replaces valine 118 with methionine.
Molecular consequence: missense variant. On other transcripts: 5 prime UTR variant (5), non-coding transcript variant (1).
Genome position (GRCh38, 1-based): chr6:145,686,246, C>T on the plus strand (G>A on the coding strand, the complement: EPM2A is on the minus strand). VCF-style: chr6-145686246-C-T. GRCh37 (hg19) VCF-style: chr6-146007382-C-T.
Other names: c.352G>A, p.Val118Met (NM_001018041.2, NM_001360057.2, NM_001368130.1); c.-63G>A (NM_001360064.2, NM_001360071.2, NM_001368131.1); c.-272G>A (NM_001368129.2, NM_001368132.1); short protein forms V118M.
Identifiers: ClinVar variation 842001 (VCV000842001.10), dbSNP rs903313803, ClinGen allele CA149189426.